The following is an entry in ClinVar:

ClinVar aggregate classification (germline): Uncertain significance (1 of 4 stars; one submission).

Submission:

Labcorp Genetics (formerly Invitae), Labcorp
Classification: Uncertain significance. Last evaluated: 2022-11-15. Review status: criteria provided, single submitter. Criteria: Invitae Variant Classification Sherloc (09022015). Collection method: clinical testing. Allele origin: germline.
Comment: In summary, the available evidence is currently insufficient to determine the role of this variant in disease. Therefore, it has been classified as a Variant of Uncertain Significance. Advanced modeling of protein sequence and biophysical properties (such as structural, functional, and spatial information, amino acid conservation, physicochemical variation, residue mobility, and thermodynamic stability) performed at Invitae indicates that this missense variant is not expected to disrupt MYO3A protein function. ClinVar contains an entry for this variant (Variation ID: 1354227). This variant has not been reported in the literature in individuals affected with MYO3A-related conditions. This variant is not present in population databases (gnomAD no frequency). This sequence change replaces alanine, which is neutral and non-polar, with glutamic acid, which is acidic and polar, at codon 960 of the MYO3A protein (p.Ala960Glu).

NM_017433.5(MYO3A):c.2879C>A (p.Ala960Glu)

Gene: MYO3A (myosin IIIA; plus strand). Cytogenetic location: 10p12.1.
Variant type: single nucleotide variant.
Coding change: c.2879C>A on transcript NM_017433.5 (MANE Select); coding-DNA position 2879, C replaced by A.
Protein change: p.Ala960Glu; replaces alanine 960 with glutamic acid.
Molecular consequence: missense variant.
Genome position (GRCh38, 1-based): chr10:26,157,395, C>A. VCF-style: chr10-26157395-C-A. GRCh37 (hg19) VCF-style: chr10-26446324-C-A.
Other names: short protein forms A960E.
Identifiers: ClinVar variation 1354227 (VCV001354227.6), dbSNP rs2131935183, ClinGen allele CA376336294.
Genomic context (GRCh38, chr10:26,157,395, plus strand): 5'-AAATGGTGGTGGGCCAACCTCATTTTGTCCGTTGCATCAAACCAAATAGTGAGCGTCAGG[C>A]AAGAAAATATGACAAAGAGAAAGTTCTGCTACAGCTTCGGTACACAGGAATTCTGGAAAC-3'
Protein context (NP_059129.3, residues 950-970): RCIKPNSERQ[Ala960Glu]RKYDKEKVLL